The following is an entry in ClinVar:

ClinVar aggregate classification (germline): Uncertain significance (1 of 4 stars; one submission).

gnomAD v4.1: 5 of 1,614,088 alleles (0.00031%); highest among the groups gnomAD compares: Admixed American, 0.0067%; no homozygotes.

Submission:

Labcorp Genetics (formerly Invitae), Labcorp
Classification: Uncertain significance. Last evaluated: 2025-09-25. Review status: criteria provided, single submitter. Criteria: Invitae Variant Classification Sherloc (09022015). Collection method: clinical testing. Allele origin: germline.
Comment: This sequence change replaces glutamic acid, which is acidic and polar, with aspartic acid, which is acidic and polar, at codon 191 of the SLC36A2 protein (p.Glu191Asp). This variant is present in population databases (rs185561520, gnomAD 0.006%). This variant has not been reported in the literature in individuals affected with SLC36A2-related conditions. An algorithm developed to predict the effect of missense changes on protein structure and function (PolyPhen-2) suggests that this variant is likely to be tolerated. In summary, the available evidence is currently insufficient to determine the role of this variant in disease. Therefore, it has been classified as a Variant of Uncertain Significance.

NM_181776.3(SLC36A2):c.573G>C (p.Glu191Asp)

Gene: SLC36A2 (solute carrier family 36 member 2; minus strand). Cytogenetic location: 5q33.1.
Variant type: single nucleotide variant.
Coding change: c.573G>C on transcript NM_181776.3 (MANE Select); coding-DNA position 573, G replaced by C.
Protein change: p.Glu191Asp; replaces glutamic acid 191 with aspartic acid.
Molecular consequence: missense variant.
Genome position (GRCh38, 1-based): chr5:151,335,500, C>G on the plus strand (G>C on the coding strand, the complement: SLC36A2 is on the minus strand). VCF-style: chr5-151335500-C-G. GRCh37 (hg19) VCF-style: chr5-150715061-C-G.
Other names: short protein forms E191D.
Identifiers: ClinVar variation 4748412 (VCV004748412.1).